The following is an entry in ClinVar:

NM_000202.8(IDS):c.1340T>A (p.Leu447Ter)

Gene: IDS (iduronate 2-sulfatase; minus strand). Cytogenetic location: Xq28.
Variant type: single nucleotide variant.
Coding change: c.1340T>A on transcript NM_000202.8 (MANE Select); coding-DNA position 1340, T replaced by A.
Protein change: p.Leu447Ter; replaces leucine 447 with a stop codon.
Molecular consequence: nonsense.
Genome position (GRCh38, 1-based): chrX:149,483,059, A>T on the plus strand (T>A on the coding strand, the complement: IDS is on the minus strand). VCF-style: chrX-149483059-A-T. GRCh37 (hg19) VCF-style: chrX-148564590-A-T.
Other names: c.1070T>A, p.Leu357Ter (NM_001166550.4); short protein forms L357*, L447*.
Identifiers: ClinVar variation 988698 (VCV000988698.3), dbSNP rs2089306573, ClinGen allele CA414518301.

ClinVar aggregate classification (germline): Pathogenic. Review status: criteria provided, single submitter (1 of 4 stars). 2 submissions from 2 submitters: Pathogenic (1). 1 of the submissions does not count toward it. Last evaluated 2024-06-07.

Conditions:
Mucopolysaccharidosis, MPS-II (MPS2). Also called: IDS deficiency; Sulfoiduronate sulfatase deficiency; SIDS deficiency; Mucopolysaccharidosis type 2; Mucopolysaccharidosis Type II; Attenuated MPS (subtype; formerly known as mild MPS II). Identifiers: Orphanet 580, Orphanet 79388, MedGen C0026705, MONDO:0010674, OMIM 309900.

Submissions (2):

Laboratory of Diagnosis and Therapy of Lysosomal Disorders, University of Padova
Classification: Pathogenic for Mucopolysaccharidosis, MPS-II. Last evaluated: 2024-06-07. Review status: criteria provided, single submitter. Criteria: ACMG Guidelines, 2015. Collection method: literature only. Allele origin: germline. Affected: yes. Observed: 1 variant allele.
Comment: Null variant (PVS1_Strong), De novo (PS2_Moderate), Absent from controls (or at low frequency) in gnomAD database (PM2_Moderate), Patient’s phenotype or family history highly specific for the disease (PP4_Strong)

Classification method: ACMG Guidelines [PMID:25741868] with modifications

Laboratory of Inherited Metabolic Diseases, Research centre for medical genetics
Classification: Pathogenic for Mucopolysaccharidosis, type II; MPS2. Review status: no assertion criteria provided. Collection method: research. Allele origin: germline. Affected: yes. Not counted in ClinVar's aggregate classification.

Literature cited by the submitters: PubMed 33676511 (cited by Laboratory of Diagnosis and Therapy of Lysosomal Disorders, University of Padova).